The following is an entry in ClinVar:

NM_004168.4(SDHA):c.1523C>T (p.Thr508Ile)

Gene: SDHA (succinate dehydrogenase complex flavoprotein subunit A; plus strand). Cytogenetic location: 5p15.33.
Variant type: single nucleotide variant.
Coding change: c.1523C>T on transcript NM_004168.4 (MANE Select); coding-DNA position 1523, C replaced by T.
Protein change: p.Thr508Ile; replaces threonine 508 with isoleucine.
Molecular consequence: missense variant.
Genome position (GRCh38, 1-based): chr5:240,448, C>T. VCF-style: chr5-240448-C-T. GRCh37 (hg19) VCF-style: chr5-240563-C-T.
Other names: p.Thr508Ile; c.1379C>T, p.Thr460Ile (NM_001294332.2); c.1523C>T, p.Thr508Ile (NM_001330758.2); short protein forms T508I, T460I.
Identifiers: ClinVar variation 39585 (VCV000039585.58), dbSNP rs151266052, ClinGen allele CA130381.

ClinVar aggregate classification (germline): Conflicting classifications of pathogenicity. Review status: criteria provided, conflicting classifications (1 of 4 stars). 14 submissions from 14 submitters: Uncertain significance (4); Benign (3); Likely benign (6). 1 of the submissions does not count toward it. Last evaluated 2026-03-11.

Conditions:
Hereditary pheochromocytoma and paraganglioma. Also called: Hereditary Paraganglioma-Pheochromocytoma Syndromes; Hereditary pheochromocytoma-paraganglioma; Hereditary paragangliomas and pheochromocytomas. Identifiers: Orphanet 29072, MedGen C4274332, MONDO:0017366.
Gastrointestinal stromal tumor. Also called: Gastrointestinal stroma tumor; Gastrointestinal stromal tumor, somatic. Identifiers: Orphanet 44890, MedGen C0238198, MeSH D046152, MONDO:0011719, OMIM 606764, HP:0100723.
Pheochromocytoma/paraganglioma syndrome 5. Also called: Paragangliomas 5; SDHA-Related Hereditary Paraganglioma-Pheochromocytoma Syndrome. Identifiers: Orphanet 29072, MedGen C3279992, MONDO:0013602, OMIM 614165.
Mitochondrial complex II deficiency, nuclear type 1. Also called: SUCCINATE CoQ REDUCTASE DEFICIENCY. Identifiers: Orphanet 3208, MedGen C5700310, MONDO:0100294, OMIM 252011.
Hereditary cancer-predisposing syndrome. Also called: Neoplastic Syndromes, Hereditary; Tumor predisposition; Hereditary Cancer Syndrome; Hereditary neoplastic syndrome. Identifiers: Orphanet 140162, MedGen C0027672, MeSH D009386, MONDO:0015356.

Allele frequency attached by ClinVar (database versions not stated): gnomAD exomes 0.00027 and 0.00060; ExAC 0.00076; 1000 Genomes Project 30x 0.00125; 1000 Genomes Project 0.00140; gnomAD 0.00230 and 0.00245; TOPMed 0.00241; ESP Exome Variant Server 0.00269.
gnomAD v4.1: 784 of 1,609,846 alleles (0.049%); highest among the groups gnomAD compares: African/African-American, 0.86%; 8 homozygotes.

Submissions (14):

Dasa
Classification: Uncertain significance. Last evaluated: 2026-03-11. Review status: criteria provided, single submitter. Criteria: DASA Assertion Criteria. Collection method: clinical testing. Allele origin: germline.
Comment: NM_004168.4(SDHA):c.1523C>T (p.Thr508Ile) is a missense variant that results in the substitution of threonine with isoleucine. This classification is supported by population frequency inconsistent with a disease-causing role. The currently available literature and clinical evidence are not sufficient to establish a definitive association between this variant and the reported condition. Therefore, this variant is classified as a variant of uncertain significance.

CeGaT Center for Human Genetics Tuebingen
Classification: Likely benign. Last evaluated: 2026-03-01. Review status: criteria provided, single submitter. Criteria: CeGaT Center For Human Genetics Tuebingen Variant Classification Criteria Version 2. Collection method: clinical testing. Allele origin: germline. Affected: yes. Observed: 5 variant alleles.
Comment: SDHA: BS1

Labcorp Genetics (formerly Invitae), Labcorp
Classification: Benign for Pheochromocytoma/paraganglioma syndrome 5; Mitochondrial complex II deficiency, nuclear type 1. Last evaluated: 2026-02-03. Review status: criteria provided, single submitter. Criteria: Invitae Variant Classification Sherloc (09022015). Collection method: clinical testing. Allele origin: germline.

Quest Diagnostics Nichols Institute San Juan Capistrano
Classification: Benign. Last evaluated: 2025-08-07. Review status: criteria provided, single submitter. Criteria: Quest Diagnostics criteria. Collection method: clinical testing. Allele origin: unknown.

Molecular Diagnostics Laboratory, Catalan Institute of Oncology
Classification: Uncertain significance for Hereditary cancer-predisposing syndrome. Last evaluated: 2025-04-09. Review status: criteria provided, single submitter. Criteria: ACMG Guidelines, 2015. Collection method: clinical testing. Allele origin: germline.
Comment: BS1 c.1523C>T, located in exon 11 of the SDHA gene, is predicted to result in the substitution of threonine by isoleucine at codon 508, p.(Thr508Ile). The variant allele was found in 166/23210 alleles (1 homozygote), with a filter allele frequency of 0.6% at 99% confidence, within the African population in the gnomAD v2.1.1 database (non-cancer data set) (BS1). The SpliceAI algorithm predicts no significant impact on splicing and the REVEL meta-predictor score (0.59) for this variant is indeterminate regarding the effect that it may have on protein function according Pejaver 2022 thresholds (PMID: 36413997). To our knowledge functional studies have not been reported for this variant. It has been reported in ClinVar (2x uncertain significance, 1x pathogenic, 4x likely benign, 3x benign) and LOVD (1x uncertain significance) databases. Based on currently available information, c.1523C>T is classified as an uncertain significance variant according to ACMG guidelines.

Mayo Clinic Laboratories, Mayo Clinic
Classification: Uncertain significance. Last evaluated: 2025-01-15. Review status: criteria provided, single submitter. Criteria: ACMG Guidelines, 2015. Collection method: clinical testing. Allele origin: germline. Observed: 3 variant alleles.
Comment: BS1, PM3_supporting

Blueprint Genetics
Classification: Likely benign. Last evaluated: 2024-11-13. Review status: criteria provided, single submitter. Criteria: ACMG Guidelines, 2015. Collection method: clinical testing. Allele origin: germline.

Department of Pathology and Laboratory Medicine, Sinai Health System
Classification: Likely benign for Gastrointestinal stromal tumor; Hereditary pheochromocytoma and paraganglioma. Last evaluated: 2024-02-07. Review status: criteria provided, single submitter. Criteria: ACMG Guidelines, 2015. Collection method: clinical testing. Allele origin: germline. Affected: yes.

Sema4
Classification: Benign for Hereditary cancer-predisposing syndrome. Last evaluated: 2021-01-12. Review status: criteria provided, single submitter. Criteria: Sema4 Curation Guidelines. Collection method: curation. Allele origin: germline.

GeneDx
Classification: Likely benign. Last evaluated: 2020-10-27. Review status: criteria provided, single submitter. Criteria: GeneDx Variant Classification Process June 2021. Collection method: clinical testing. Allele origin: germline. Affected: yes.
Comment: This variant is associated with the following publications: (PMID: 22972948, 26642834, 23174333, 28724664, 29778030)

Mendelics
Classification: Likely benign for Mitochondrial complex II deficiency, nuclear type 1. Last evaluated: 2019-05-28. Review status: criteria provided, single submitter. Criteria: Mendelics Assertion Criteria 2017. Collection method: clinical testing. Allele origin: unknown.

Genetic Services Laboratory, University of Chicago
Classification: Uncertain significance. Last evaluated: 2018-08-07. Review status: criteria provided, single submitter. Criteria: ACMG Guidelines, 2015. Collection method: clinical testing. Allele origin: germline. Affected: no.

Ambry Genetics
Classification: Likely benign for Hereditary cancer-predisposing syndrome. Last evaluated: 2018-07-19. Review status: criteria provided, single submitter. Criteria: Ambry Variant Classification Scheme 2023. Collection method: clinical testing. Allele origin: germline.

OMIM
Classification: Pathogenic for MITOCHONDRIAL COMPLEX II DEFICIENCY, NUCLEAR TYPE 1. Last evaluated: 2012-09-01. Review status: no assertion criteria provided. Collection method: literature only. Allele origin: germline. Not counted in ClinVar's aggregate classification.

Literature cited by the submitters: PubMed 22972948 (cited by 5 submitters); PubMed 26642834 (cited by Quest Diagnostics Nichols Institute San Juan Capistrano and Mayo Clinic Laboratories, Mayo Clinic); PubMed 28724664 (cited by 3 submitters); PubMed 39321216 (cited by Quest Diagnostics Nichols Institute San Juan Capistrano and Mayo Clinic Laboratories, Mayo Clinic); PubMed 29778030 (cited by Mayo Clinic Laboratories, Mayo Clinic and Department of Pathology and Laboratory Medicine, Sinai Health System).